The following is an entry in ClinVar:

ClinVar aggregate classification (germline): Likely benign (1 of 4 stars; one submission).

Conditions:
Familial hypercholesterolemia. Also called: Familial hypercholesterolaemia. Identifiers: MedGen C0020445, MONDO:0005439.

Submission:

GENinCode PLC
Classification: Likely benign for Familial hypercholesterolemia. Last evaluated: 2023-12-22. Review status: criteria provided, single submitter. Criteria: ACMG Guidelines, 2015. Collection method: clinical testing. Allele origin: germline.
Comment: This is a synonymous (silent) variant that is not predicted by SpliceAI to impact splicing. In addition, it occurs at a nucleotide that is not conserved. Therefore this variant has been classified as Likely Benign (BP4, BP7).

NM_000384.3(APOB):c.87G>A (p.Glu29=)

Genes: APOB (apolipoprotein B; minus strand), LOC106560211 (APOB 5' regulatory region; plus strand). Cytogenetic location: 2p24.1.
Variant type: single nucleotide variant.
Coding change: c.87G>A on transcript NM_000384.3 (MANE Select); coding-DNA position 87, G replaced by A.
Protein change: p.Glu29=; no amino-acid change (glutamic acid 29 retained).
Molecular consequence: synonymous variant.
Genome position (GRCh38, 1-based): chr2:21,043,547, C>T on the plus strand (G>A on the coding strand, the complement: APOB is on the minus strand). VCF-style: chr2-21043547-C-T. GRCh37 (hg19) VCF-style: chr2-21266419-C-T.
Identifiers: ClinVar variation 3392996 (VCV003392996.1).